The following is an entry in ClinVar:

ClinVar aggregate classification (germline): Likely pathogenic (1 of 4 stars; one submission).

Submission:

Dasa
Classification: Likely pathogenic. Last evaluated: 2024-10-21. Review status: criteria provided, single submitter. Criteria: DASA Assertion Criteria. Collection method: clinical testing. Allele origin: germline.
Comment: NM_052859.4(RFT1):c.775+1G>A affects a canonical splice site and is predicted to disrupt normal RNA splicing. Loss of function is an established disease mechanism for RFT1-associated disorders. Also, this variant is rare in population databases. Based on the currently available evidence, this variant is classified as likely pathogenic.

NM_052859.4(RFT1):c.775+1G>A

Gene: RFT1 (RFT1 glycolipid translocator homolog; minus strand). Cytogenetic location: 3p21.1.
Variant type: single nucleotide variant.
Coding change: c.775+1G>A on transcript NM_052859.4 (MANE Select); the canonical splice donor site of the intron after coding-DNA position 775, G replaced by A.
Molecular consequence: splice donor variant.
Genome position (GRCh38, 1-based): chr3:53,111,829, C>T on the plus strand (G>A on the coding strand, the complement: RFT1 is on the minus strand). VCF-style: chr3-53111829-C-T. GRCh37 (hg19) VCF-style: chr3-53145845-C-T.
Identifiers: ClinVar variation 4885513 (VCV004885513.2).
Genomic context (GRCh38, chr3:53,111,829, plus strand): 5'-AGTCCTATGAAATCCCCTTCTACTATGGTCTCCCGACGATTCAGAGTGACCGTCTACTTA[C>T]CTTCTGTCAAAATCTGTTTCAAGAAAGACTGTTTGAAAAAACTCCAAGTCAGTTTAGCCT-3'